The following is an entry in ClinVar:

ClinVar aggregate classification (germline): Uncertain significance (1 of 4 stars; one submission).

Submission:

Labcorp Genetics (formerly Invitae), Labcorp
Classification: Uncertain significance. Last evaluated: 2024-01-17. Review status: criteria provided, single submitter. Criteria: Invitae Variant Classification Sherloc (09022015). Collection method: clinical testing. Allele origin: germline.
Comment: This sequence change replaces threonine, which is neutral and polar, with isoleucine, which is neutral and non-polar, at codon 72 of the FKBP10 protein (p.Thr72Ile). This variant is not present in population databases (gnomAD no frequency). This variant has not been reported in the literature in individuals affected with FKBP10-related conditions. ClinVar contains an entry for this variant (Variation ID: 1505420). Advanced modeling of protein sequence and biophysical properties (such as structural, functional, and spatial information, amino acid conservation, physicochemical variation, residue mobility, and thermodynamic stability) has been performed at Invitae for this missense variant, however the output from this modeling did not meet the statistical confidence thresholds required to predict the impact of this variant on FKBP10 protein function. In summary, the available evidence is currently insufficient to determine the role of this variant in disease. Therefore, it has been classified as a Variant of Uncertain Significance.

NM_021939.4(FKBP10):c.215C>T (p.Thr72Ile)

Gene: FKBP10 (FKBP prolyl isomerase 10; plus strand). Cytogenetic location: 17q21.2.
Variant type: single nucleotide variant.
Coding change: c.215C>T on transcript NM_021939.4 (MANE Select); coding-DNA position 215, C replaced by T.
Protein change: p.Thr72Ile; replaces threonine 72 with isoleucine.
Molecular consequence: missense variant.
Genome position (GRCh38, 1-based): chr17:41,813,249, C>T. VCF-style: chr17-41813249-C-T. GRCh37 (hg19) VCF-style: chr17-39969501-C-T.
Other names: short protein forms T72I.
Identifiers: ClinVar variation 1505420 (VCV001505420.8), dbSNP rs2144041884, ClinGen allele CA399513842.